The following is an entry in ClinVar:

ClinVar aggregate classification (germline): Pathogenic (1 of 4 stars; one submission).

Conditions:
3-methylglutaconic aciduria with deafness, encephalopathy, and Leigh-like syndrome (MEGDEL). Also called: MEGDEL syndrome; 3-METHYLGLUTACONIC ACIDURIA, TYPE VI; SERAC1 Deficiency. Identifiers: Orphanet 352328, MedGen C4040739, MONDO:0013875, OMIM 614739.

Allele frequency attached by ClinVar (database versions not stated): gnomAD exomes below 0.00001; TOPMed below 0.00001.
gnomAD v4.1: 2 of 1,604,438 alleles (0.00012%); highest among the groups gnomAD compares: Admixed American, 0.0017%; no homozygotes.

Submission:

Labcorp Genetics (formerly Invitae), Labcorp
Classification: Pathogenic for 3-methylglutaconic aciduria with deafness, encephalopathy, and Leigh-like syndrome. Last evaluated: 2022-08-16. Review status: criteria provided, single submitter. Criteria: Invitae Variant Classification Sherloc (09022015). Collection method: clinical testing. Allele origin: germline.
Comment: For these reasons, this variant has been classified as Pathogenic. Algorithms developed to predict the effect of sequence changes on RNA splicing suggest that this variant may create or strengthen a splice site. This variant has not been reported in the literature in individuals affected with SERAC1-related conditions. This variant is present in population databases (no rsID available, gnomAD 0.003%). This sequence change creates a premature translational stop signal (p.Tyr259*) in the SERAC1 gene. It is expected to result in an absent or disrupted protein product. Loss-of-function variants in SERAC1 are known to be pathogenic (PMID: 22683713).

Literature cited by the submitters: PubMed 22683713.

NM_032861.4(SERAC1):c.777T>G (p.Tyr259Ter)

Gene: SERAC1 (serine active site containing 1; minus strand). Cytogenetic location: 6q25.3.
Variant type: single nucleotide variant.
Coding change: c.777T>G on transcript NM_032861.4 (MANE Select); coding-DNA position 777, T replaced by G.
Protein change: p.Tyr259Ter; replaces tyrosine 259 with a stop codon.
Molecular consequence: nonsense.
Genome position (GRCh38, 1-based): chr6:158,130,448, A>C on the plus strand (T>G on the coding strand, the complement: SERAC1 is on the minus strand). VCF-style: chr6-158130448-A-C. GRCh37 (hg19) VCF-style: chr6-158551480-A-C.
Other names: short protein forms Y259*.
Identifiers: ClinVar variation 1957954 (VCV001957954.5), dbSNP rs978448154, ClinGen allele CA150933642.